The following is an entry in ClinVar:

ClinVar aggregate classification (germline): Likely benign. Review status: criteria provided, multiple submitters, no conflicts (2 of 4 stars). 2 submissions from 2 submitters: Likely benign (2). Last evaluated 2026-01-19.

Conditions:
Epilepsy, idiopathic generalized, susceptibility to, 13. Also called: EPILEPSY, JUVENILE MYOCLONIC, SUSCEPTIBILITY TO, 5. Identifiers: Orphanet 307, Orphanet 64280, MedGen C4013473, MONDO:0012627, OMIM 611136.
Idiopathic generalized epilepsy. Also called: EIG; Generalised epilepsy. Identifiers: MedGen C0270850, MONDO:0005579, OMIM 600669.
Epilepsy, childhood absence 4 (ECA4). Also called: EPILEPSY, CHILDHOOD ABSENCE, SUSCEPTIBILITY TO, 4. Identifiers: Orphanet 307, MedGen C1970160.
GABRA1-related disorder. Also called: GABRA1-related condition.

Allele frequency attached by ClinVar (database versions not stated): gnomAD exomes below 0.00001; gnomAD 0.00001; TOPMed 0.00001.

Submissions (2):

Labcorp Genetics (formerly Invitae), Labcorp
Classification: Likely benign for Epilepsy, childhood absence 4; Epilepsy, idiopathic generalized, susceptibility to, 13; Idiopathic generalized epilepsy. Last evaluated: 2026-01-19. Review status: criteria provided, single submitter. Criteria: Invitae Variant Classification Sherloc (09022015). Collection method: clinical testing. Allele origin: germline.

PreventionGenetics, part of Exact Sciences
Classification: Likely benign for GABRA1-related condition. Last evaluated: 2024-12-12. Review status: criteria provided, single submitter. Criteria: ACMG Guidelines, 2015. Collection method: clinical testing. Allele origin: germline.
Comment: This variant is classified as likely benign based on ACMG/AMP sequence variant interpretation guidelines (Richards et al. 2015 PMID: 25741868, with internal and published modifications).

NM_001127644.2(GABRA1):c.531C>T (p.Ala177=)

Gene: GABRA1 (gamma-aminobutyric acid type A receptor subunit alpha1; plus strand). Cytogenetic location: 5q34.
Variant type: single nucleotide variant.
Coding change: c.531C>T on transcript NM_001127644.2 (MANE Select); coding-DNA position 531, C replaced by T.
Protein change: p.Ala177=; no amino-acid change (alanine 177 retained).
Molecular consequence: synonymous variant.
Genome position (GRCh38, 1-based): chr5:161,875,614, C>T. VCF-style: chr5-161875614-C-T. GRCh37 (hg19) VCF-style: chr5-161302620-C-T.
Other names: c.531C>T, p.Ala177= (NM_000806.5, NM_001127643.2, NM_001127645.2 and 1 more transcripts).
Identifiers: ClinVar variation 798683 (VCV000798683.11), dbSNP rs747452052, ClinGen allele CA131085207.
Genomic context (GRCh38, chr5:161,875,614, plus strand): 5'-CTTAAGGCTGACAGTGAGAGCTGAATGTCCGATGCATTTGGAGGACTTCCCTATGGATGC[C>T]CATGCTTGCCCACTAAAATTTGGAAGTTGTGAGTAAATTTATATGGACTTTTCTTGATTG-3'
Protein context (NP_001121116.1, residues 167-187): PMHLEDFPMD[Ala177=]HACPLKFGSY